The following is an entry in ClinVar:

ClinVar aggregate classification (germline): Uncertain significance (1 of 4 stars; one submission).

Submission:

Labcorp Genetics (formerly Invitae), Labcorp
Classification: Uncertain significance. Last evaluated: 2024-10-05. Review status: criteria provided, single submitter. Criteria: Invitae Variant Classification Sherloc (09022015). Collection method: clinical testing. Allele origin: germline.
Comment: This sequence change replaces lysine, which is basic and polar, with arginine, which is basic and polar, at codon 1522 of the C3 protein (p.Lys1522Arg). This variant is not present in population databases (gnomAD no frequency). This variant has not been reported in the literature in individuals affected with C3-related conditions. Invitae Evidence Modeling of protein sequence and biophysical properties (such as structural, functional, and spatial information, amino acid conservation, physicochemical variation, residue mobility, and thermodynamic stability) indicates that this missense variant is not expected to disrupt C3 protein function with a negative predictive value of 80%. In summary, the available evidence is currently insufficient to determine the role of this variant in disease. Therefore, it has been classified as a Variant of Uncertain Significance.

NM_000064.4(C3):c.4565A>G (p.Lys1522Arg)

Gene: C3 (complement C3; minus strand). Cytogenetic location: 19p13.3.
Variant type: single nucleotide variant.
Coding change: c.4565A>G on transcript NM_000064.4 (MANE Select); coding-DNA position 4565, A replaced by G.
Protein change: p.Lys1522Arg; replaces lysine 1522 with arginine.
Molecular consequence: missense variant.
Genome position (GRCh38, 1-based): chr19:6,679,190, T>C on the plus strand (A>G on the coding strand, the complement: C3 is on the minus strand). VCF-style: chr19-6679190-T-C. GRCh37 (hg19) VCF-style: chr19-6679201-T-C.
Other names: short protein forms K1522R.
Identifiers: ClinVar variation 3665703 (VCV003665703.2).